The following is an entry in ClinVar:

ClinVar aggregate classification (germline): Benign/Likely benign. Review status: criteria provided, multiple submitters, no conflicts (2 of 4 stars). 3 submissions from 3 submitters: Benign (1); Likely benign (2). Last evaluated 2026-04-16.

Conditions:
DICER1-related tumor predisposition. Also called: DICER1-related pleuropulmonary blastoma cancer predisposition syndrome; DICER1 syndrome. Identifiers: Orphanet 284343, MedGen C3839822, MONDO:0100216.
Hereditary cancer-predisposing syndrome. Also called: Neoplastic Syndromes, Hereditary; Hereditary Cancer Syndrome; Hereditary neoplastic syndrome; Tumor predisposition. Identifiers: Orphanet 140162, MedGen C0027672, MeSH D009386, MONDO:0015356.

Allele frequency attached by ClinVar (database versions not stated): gnomAD exomes 0.00001; gnomAD 0.00001; TOPMed 0.00002.
gnomAD v4.1: 11 of 1,613,956 alleles (0.00068%); highest among the groups gnomAD compares: African/African-American, 0.0093%; no homozygotes.

Submissions (3):

Myriad Genetics, Inc.
Classification: Benign for DICER1-related tumor predisposition. Last evaluated: 2026-04-16. Review status: criteria provided, single submitter. Criteria: Myriad Autosomal Dominant, Autosomal Recessive and X-Linked Classification Criteria (2023). Collection method: clinical testing. Allele origin: unknown.
Comment: This variant is considered benign. This variant is a silent/synonymous amino acid change and it is not expected to impact splicing.

Labcorp Genetics (formerly Invitae), Labcorp
Classification: Likely benign for DICER1-related tumor predisposition. Last evaluated: 2025-07-23. Review status: criteria provided, single submitter. Criteria: Invitae Variant Classification Sherloc (09022015). Collection method: clinical testing. Allele origin: germline.

Ambry Genetics
Classification: Likely benign for Hereditary cancer-predisposing syndrome. Last evaluated: 2020-06-15. Review status: criteria provided, single submitter. Criteria: Ambry Variant Classification Scheme 2023. Collection method: clinical testing. Allele origin: germline.

NM_177438.3(DICER1):c.2064A>G (p.Arg688=)

Gene: DICER1 (dicer 1, ribonuclease III; minus strand). Cytogenetic location: 14q32.13.
Variant type: single nucleotide variant.
Coding change: c.2064A>G on transcript NM_177438.3 (MANE Select); coding-DNA position 2064, A replaced by G.
Protein change: p.Arg688=; no amino-acid change (arginine 688 retained).
Molecular consequence: synonymous variant.
Genome position (GRCh38, 1-based): chr14:95,112,224, T>C on the plus strand (A>G on the coding strand, the complement: DICER1 is on the minus strand). VCF-style: chr14-95112224-T-C. GRCh37 (hg19) VCF-style: chr14-95578561-T-C.
Other names: c.2064A>G, p.Arg688= (NM_001195573.1, NM_001271282.3, NM_001291628.2 and 1 more transcripts).
Identifiers: ClinVar variation 578244 (VCV000578244.15), dbSNP rs1361670595, ClinGen allele CA487629289.